The following is an entry in ClinVar:

ClinVar aggregate classification (germline): Pathogenic. Review status: criteria provided, multiple submitters, no conflicts (2 of 4 stars). 7 submissions from 7 submitters: Pathogenic (7). Last evaluated 2026-09-08.

Conditions:
Fabry disease. Also called: GLA DEFICIENCY; HEREDITARY DYSTOPIC LIPIDOSIS; Fabry's disease; Angiokeratoma corporis diffusum; Ceramide trihexosidosis; ALPHA-GALACTOSIDASE A DEFICIENCY. Identifiers: Orphanet 324, MedGen C0002986, MONDO:0010526, OMIM 301500, HP:0001071. Disease mechanism: loss of function, Fabry disease is due to inactivating mutations in the X-linked GLA gene resulting in deficiency of the enzyme Alpha Galactosidase-A..
Cardiovascular phenotype. Identifiers: MedGen CN230736.

Submissions (7):

Genomenon, Inc
Classification: Pathogenic for Fabry disease. Last evaluated: 2026-09-08. Review status: criteria provided, single submitter. Criteria: Genomenon Sequence Variant Interpretation Standards - Updated. Collection method: curation. Allele origin: germline. Affected: yes.
Comment: GLA p.Pro259Arg (c.776C>G) is a missense variant that changes the amino acid at codon 259 from Proline to Arginine. This variant has been observed in at least one proband with clinical features consistent with Fabry disease (PMID:32161151;30723321;23474038;28736719;23176611;39343861;27657681;21804088;26415523;31649303;19343533;11668641;22551898;39980015;29305833;16595074;28756410;39669636). The variant was found to segregate with disease in at least one affected family (PMID:19343533). Functional or patient cell studies have been reported (PMID:32023956;21598360;30723321;16595074;23474038;31649303;18698230;26415523;27657681;39343861;32127409). It is absent or not present at a significant frequency in gnomAD. In silico models predict that this variant is possibly or probably damaging. In conclusion, we classify GLA p.Pro259Arg (c.776C>G) as a pathogenic variant.

Ambry Genetics
Classification: Pathogenic for Cardiovascular phenotype. Last evaluated: 2025-01-07. Review status: criteria provided, single submitter. Criteria: Ambry Variant Classification Scheme 2023. Collection method: clinical testing. Allele origin: germline.
Comment: The c.776C>G (p.P259R) alteration is located in exon 5 (coding exon 5) of the GLA gene. This alteration results from a C to G substitution at nucleotide position 776, causing the proline (P) at amino acid position 259 to be replaced by an arginine (R). This variant was not reported in population-based cohorts in the Genome Aggregation Database (gnomAD). This variant was reported in individual(s) with features consistent with Fabry disease (Ashley, 2001; Blaydon, 2001; Brouns, 2009). This amino acid position is highly conserved in available vertebrate species. Functional studies suggest that this variant is associated with partial loss of function; however, additional evidence is needed to confirm these findings (Wu, 2011; Lukas, 2016). This alteration is predicted to be deleterious by in silico analysis. Based on the available evidence, this alteration is classified as pathogenic.

Revvity Omics, Revvity
Classification: Pathogenic. Last evaluated: 2024-12-11. Review status: criteria provided, single submitter. Criteria: ACMG Guidelines, 2015. Collection method: clinical testing. Allele origin: germline.

Labcorp Genetics (formerly Invitae), Labcorp
Classification: Pathogenic for Fabry disease. Last evaluated: 2024-08-29. Review status: criteria provided, single submitter. Criteria: Invitae Variant Classification Sherloc (09022015). Collection method: clinical testing. Allele origin: germline.
Comment: This sequence change replaces proline, which is neutral and non-polar, with arginine, which is basic and polar, at codon 259 of the GLA protein (p.Pro259Arg). This variant is not present in population databases (gnomAD no frequency). This missense change has been observed in individuals with Fabry disease and hypertrophic cardiomyopathy (PMID: 11322659, 11668641, 16595074, 24582695, 27532257, 28756410). ClinVar contains an entry for this variant (Variation ID: 222384). Invitae Evidence Modeling of protein sequence and biophysical properties (such as structural, functional, and spatial information, amino acid conservation, physicochemical variation, residue mobility, and thermodynamic stability) indicates that this missense variant is expected to disrupt GLA protein function with a positive predictive value of 80%. Experimental studies have shown that this missense change affects GLA function (PMID: 21598360, 26415523). For these reasons, this variant has been classified as Pathogenic.

Women's Health and Genetics/Laboratory Corporation of America, LabCorp
Classification: Pathogenic for Fabry disease. Last evaluated: 2024-05-24. Review status: criteria provided, single submitter. Criteria: LabCorp Variant Classification Summary - May 2015. Collection method: clinical testing. Allele origin: germline.
Comment: Variant summary: GLA c.776C>G (p.Pro259Arg) results in a non-conservative amino acid change in the encoded protein sequence. Five of five in-silico tools predict a damaging effect of the variant on protein function. The variant was absent in 183636 control chromosomes (gnomAD). c.776C>G has been reported in the literature in multiple individuals affected with Fabry disease (Ashley_GLA_JHG_2001, Blaydon_GLA_Human_Mutation_2001, Shabbeer_GLA_HG_2006). Moreover, Shin et al. measured the GLA activity in two male Fabry disease patients who had the variant of interest and found that the enzyme activity was below 10% of the normal enzyme activity indicating a deleterious impact of the variant on the functionality of the protein. These data indicate that the variant is very likely to be associated with disease. The following publications have been ascertained in the context of this evaluation (PMID: 18698230, 16595074, 11668641, 11322659, 19343533, 23474038). ClinVar contains an entry for this variant (Variation ID: 222384). Based on the evidence outlined above, the variant was classified as pathogenic.

Genome-Nilou Lab
Classification: Pathogenic for Fabry disease. Last evaluated: 2021-07-15. Review status: criteria provided, single submitter. Criteria: ACMG Guidelines, 2015. Collection method: clinical testing. Allele origin: germline. Affected: no.

Eurofins Ntd Llc (ga)
Classification: Pathogenic. Last evaluated: 2016-10-31. Review status: criteria provided, single submitter. Criteria: EGL Classification Definitions 2015. Collection method: clinical testing. Allele origin: germline. Observed: 1 variant allele, 1 heterozygote.

Literature cited by the submitters: PubMed 32161151 (cited by Genomenon, Inc); PubMed 30723321 (cited by Genomenon, Inc); PubMed 23474038 (cited by Genomenon, Inc and Women's Health and Genetics/Laboratory Corporation of America, LabCorp); PubMed 28736719 (cited by Genomenon, Inc); PubMed 23176611 (cited by Genomenon, Inc); PubMed 39343861 (cited by Genomenon, Inc); PubMed 27657681 (cited by Genomenon, Inc); PubMed 21804088 (cited by Genomenon, Inc); PubMed 26415523 (cited by 3 submitters); PubMed 31649303 (cited by Genomenon, Inc); PubMed 19343533 (cited by 3 submitters); PubMed 11668641 (cited by 4 submitters); PubMed 22551898 (cited by Genomenon, Inc); PubMed 39980015 (cited by Genomenon, Inc); PubMed 29305833 (cited by Genomenon, Inc); PubMed 16595074 (cited by 3 submitters); PubMed 28756410 (cited by Genomenon, Inc and Labcorp Genetics (formerly Invitae), Labcorp); PubMed 39669636 (cited by Genomenon, Inc); PubMed 32023956 (cited by Genomenon, Inc); PubMed 21598360 (cited by 3 submitters); PubMed 18698230 (cited by Genomenon, Inc and Women's Health and Genetics/Laboratory Corporation of America, LabCorp); PubMed 32127409 (cited by Genomenon, Inc); PubMed 11322659 (cited by 3 submitters); PubMed 24582695 (cited by Labcorp Genetics (formerly Invitae), Labcorp); PubMed 27532257 (cited by Labcorp Genetics (formerly Invitae), Labcorp).

NM_000169.3(GLA):c.776C>G (p.Pro259Arg)

Genes: GLA (galactosidase alpha; minus strand), RPL36A-HNRNPH2 (RPL36A-HNRNPH2 readthrough; plus strand). Cytogenetic location: Xq22.1.
Variant type: single nucleotide variant.
Coding change: c.776C>G on transcript NM_000169.3 (MANE Select); coding-DNA position 776, C replaced by G.
Protein change: p.Pro259Arg; replaces proline 259 with arginine.
Molecular consequence: missense variant. On other transcripts: non-coding transcript variant (3), intron variant (2).
Genome position (GRCh38, 1-based): chrX:101,398,810, G>C on the plus strand (C>G on the coding strand, the complement: GLA is on the minus strand). VCF-style: chrX-101398810-G-C. GRCh37 (hg19) VCF-style: chrX-100653798-G-C.
Other names: c.899C>G, p.Pro300Arg (NM_001406747.1); c.776C>G, p.Pro259Arg (NM_001406748.1); c.300+3353G>C (NM_001199973.2); c.177+6988G>C (NM_001199974.2); short protein forms P259R, P300R.
Identifiers: ClinVar variation 222384 (VCV000222384.21), dbSNP rs869312399, ClinGen allele CA352614.
Genomic context (GRCh38, chrX:101,398,810, plus strand): 5'-GCAGGGTCTTGAACAAGGAGGGCTCAAGTTTTTACCATATCTGGGTCATTCCAACCCCCT[G>C]GTCCAGCAACATCAACAATTCTCTCCTGGTTAAAAGATGTCCAGTCCAAGATACTCTTTA-3'
Protein context (NP_000160.1, residues 249-269): NQERIVDVAG[Pro259Arg]GGWNDPDMLV